The following is an entry in ClinVar:

NM_022788.5(P2RY12):c.-180+19601G>A

Genes: MED12L (mediator complex subunit 12L; plus strand), P2RY12 (purinergic receptor P2Y12; minus strand). Cytogenetic location: 3q25.1.
Variant type: single nucleotide variant.
Coding change: c.-180+19601G>A on transcript NM_022788.5 (MANE Select); 19601 bases into the intron after 180 bases upstream of the start codon, G replaced by A.
Molecular consequence: intron variant. On other transcripts: missense variant (2).
Genome position (GRCh38, 1-based): chr3:151,365,091, C>T on the plus strand (G>A on the coding strand, the complement: P2RY12 is on the minus strand). VCF-style: chr3-151365091-C-T. GRCh37 (hg19) VCF-style: chr3-151082879-C-T.
Other names: c.3070C>T, p.Arg1024Cys (NM_001393769.1); c.2965C>T, p.Arg989Cys (NM_053002.6); short protein forms R1024C, R989C.
Identifiers: ClinVar variation 3351617 (VCV003351617.1).

ClinVar aggregate classification (germline): Likely benign (0 of 4 stars; one submission).

Conditions:
P2RY12-related disorder. Also called: P2RY12-related condition.

gnomAD v4.1: 129 of 1,613,920 alleles (0.008%); highest among the groups gnomAD compares: Middle Eastern, 0.016%; no homozygotes.

Submission:

PreventionGenetics, part of Exact Sciences
Classification: Likely benign for P2RY12-related condition. Last evaluated: 2024-06-27. Review status: no assertion criteria provided. Collection method: clinical testing. Allele origin: germline.
Comment: This variant is classified as likely benign based on ACMG/AMP sequence variant interpretation guidelines (Richards et al. 2015 PMID: 25741868, with internal and published modifications).